The following is an entry in ClinVar:

NM_004336.5(BUB1):c.2056G>A (p.Val686Ile)

Gene: BUB1 (BUB1 mitotic checkpoint serine/threonine kinase; minus strand). Cytogenetic location: 2q13.
Variant type: single nucleotide variant.
Coding change: c.2056G>A on transcript NM_004336.5 (MANE Select); coding-DNA position 2056, G replaced by A.
Protein change: p.Val686Ile; replaces valine 686 with isoleucine.
Molecular consequence: missense variant.
Genome position (GRCh38, 1-based): chr2:110,650,693, C>T on the plus strand (G>A on the coding strand, the complement: BUB1 is on the minus strand). VCF-style: chr2-110650693-C-T. GRCh37 (hg19) VCF-style: chr2-111408270-C-T.
Other names: c.1996G>A, p.Val666Ile (NM_001278616.2); c.2056G>A, p.Val686Ile (NM_001278617.2); short protein forms V686I, V666I.
Identifiers: ClinVar variation 1785136 (VCV001785136.2), dbSNP rs1363593000, ClinGen allele CA348209993.

ClinVar aggregate classification (germline): Uncertain significance (1 of 4 stars; one submission).

Allele frequency attached by ClinVar (database versions not stated): gnomAD exomes below 0.00001.
gnomAD v4.1: 2 of 1,613,996 alleles (0.00012%); highest among the groups gnomAD compares: African/African-American, 0.0013%; no homozygotes.

Submission:

Ambry Genetics
Classification: Uncertain significance. Last evaluated: 2022-08-13. Review status: criteria provided, single submitter. Criteria: Ambry Variant Classification Scheme 2023. Collection method: clinical testing. Allele origin: germline.
Comment: The p.V686I variant (also known as c.2056G>A), located in coding exon 18 of the BUB1 gene, results from a G to A substitution at nucleotide position 2056. The valine at codon 686 is replaced by isoleucine, an amino acid with highly similar properties. This amino acid position is conserved. In addition, this alteration is predicted to be tolerated by in silico analysis. Since supporting evidence is limited at this time, the clinical significance of this alteration remains unclear.